The following is an entry in ClinVar:

NM_001354930.2(RIPK1):c.888T>G (p.Ser296Arg)

Gene: RIPK1 (receptor interacting serine/threonine kinase 1; plus strand). Cytogenetic location: 6p25.2.
Variant type: single nucleotide variant.
Coding change: c.888T>G on transcript NM_001354930.2 (MANE Select); coding-DNA position 888, T replaced by G.
Protein change: p.Ser296Arg; replaces serine 296 with arginine.
Molecular consequence: missense variant.
Genome position (GRCh38, 1-based): chr6:3,089,630, T>G. VCF-style: chr6-3089630-T-G. GRCh37 (hg19) VCF-style: chr6-3089864-T-G.
Other names: c.399T>G, p.Ser133Arg (NM_001317061.3, NM_001354932.2, NM_001354933.2 and 1 more transcripts); c.750T>G, p.Ser250Arg (NM_001354931.2); c.888T>G, p.Ser296Arg (NM_003804.6); c.888T>G (NM_003804.4); short protein forms S250R, S133R, S296R.
Identifiers: ClinVar variation 4765074 (VCV004765074.2).
Genomic context (GRCh38, chr6:3,089,630, plus strand): 5'-TACTTTTACAGGCATTGAAGAAAAATTTAGGCCTTTTTATTTAAGTCAATTAGAAGAAAG[T>G]GTAGAAGAGGACGTGAAGAGTTTAAAGGTAGGCAATATAGCAGATGCTCAAAATATTAAC-3'
Protein context (NP_001341859.1, residues 286-306): RPFYLSQLEE[Ser296Arg]VEEDVKSLKK

ClinVar aggregate classification (germline): Uncertain significance. Review status: criteria provided, multiple submitters, no conflicts (2 of 4 stars). 2 submissions from 2 submitters: Uncertain significance (2). Last evaluated 2025-07-07.

Conditions:
RIPK1-related disorder. Also called: RIPK1-related condition.

gnomAD v4.1: 14 of 1,587,564 alleles (0.00088%); highest among the groups gnomAD compares: Non-Finnish European, 0.0012%; no homozygotes.

Submissions (2):

PreventionGenetics, part of Exact Sciences
Classification: Uncertain significance for RIPK1-related condition. Last evaluated: 2025-07-07. Review status: criteria provided, single submitter. Criteria: ACMG Guidelines, 2015. Collection method: clinical testing. Allele origin: germline.
Comment: The RIPK1 c.888T>G variant is predicted to result in the amino acid substitution p.Ser296Arg. To our knowledge, this variant has not been reported in the literature. This variant is reported in 0.0027% of alleles in individuals of European (Non-Finnish) descent in gnomAD. At this time, the clinical significance of this variant is uncertain due to the absence of conclusive functional and genetic evidence.

Labcorp Genetics (formerly Invitae), Labcorp
Classification: Uncertain significance. Last evaluated: 2025-06-14. Review status: criteria provided, single submitter. Criteria: Invitae Variant Classification Sherloc (09022015). Collection method: clinical testing. Allele origin: germline.
Comment: This sequence change replaces serine, which is neutral and polar, with arginine, which is basic and polar, at codon 296 of the RIPK1 protein (p.Ser296Arg). This variant is present in population databases (rs113602774, gnomAD 0.003%). This variant has not been reported in the literature in individuals affected with RIPK1-related conditions. An algorithm developed to predict the effect of missense changes on protein structure and function (PolyPhen-2) suggests that this variant is likely to be tolerated. In summary, the available evidence is currently insufficient to determine the role of this variant in disease. Therefore, it has been classified as a Variant of Uncertain Significance.